The following is an entry in ClinVar:

NC_000003.11:g.(?_32148194)_(32207412_?)dup

Gene: GPD1L (glycerol-3-phosphate dehydrogenase 1 like; plus strand). Cytogenetic location: 3p22.3.
Variant type: Duplication.
Identifiers: ClinVar variation 1011525 (VCV001011525.5).

ClinVar aggregate classification (germline): Uncertain significance (1 of 4 stars; one submission).

Conditions:
Brugada syndrome. Also called: Sudden unexplained nocturnal death syndrome; Sudden Unexplained Nocturnal Death Syndrome (SUNDS); Sudden unexpected nocturnal death syndrome; Sudden Unexplained Death Syndrome. Identifiers: Orphanet 130, MedGen C1142166, MONDO:0015263.

Submission:

Labcorp Genetics (formerly Invitae), Labcorp
Classification: Uncertain significance for Brugada syndrome. Last evaluated: 2022-08-16. Review status: criteria provided, single submitter. Criteria: Invitae Variant Classification Sherloc (09022015). Collection method: clinical testing. Allele origin: germline.
Comment: A copy number gain of the genomic region encompassing the full coding sequence of the GPD1L gene has been identified. The boundaries of this event are unknown as they extend beyond the assayed region for this gene and therefore may encompass additional genes. As the precise location of this event is unknown, it may be in tandem or it may be located elsewhere in the genome. This variant has not been reported in the literature in individuals affected with GPD1L-related conditions. In summary, the available evidence is currently insufficient to determine the role of this variant in disease. Therefore, it has been classified as a Variant of Uncertain Significance.